The following is an entry in ClinVar:

ClinVar aggregate classification (germline): Pathogenic (1 of 4 stars; one submission).

Conditions:
PURA-related severe neonatal hypotonia-seizures-encephalopathy syndrome (NEDRIHF). Also called: NEURODEVELOPMENTAL DISORDER WITH NEONATAL RESPIRATORY INSUFFICIENCY, HYPOTONIA, AND FEEDING DIFFICULTIES; PURA-Related Neurodevelopmental Disorders. Identifiers: Orphanet 438213, Orphanet 438216, MedGen C4015357, MONDO:1060108, OMIM 616158, MONDO:0018580.

Submission:

Greenwood Genetic Center Diagnostic Laboratories, Greenwood Genetic Center
Classification: Pathogenic for PURA-related severe neonatal hypotonia-seizures-encephalopathy syndrome. Last evaluated: 2021-04-06. Review status: criteria provided, single submitter. Criteria: ACMG Guidelines, 2015. Collection method: clinical testing. Allele origin: germline. Affected: yes.
Comment: PVS1, PS2, PM2

NM_005859.5(PURA):c.530_531dup (p.Pro178fs)

Gene: PURA (purine rich element binding protein A; plus strand). Cytogenetic location: 5q31.3.
Variant type: Duplication.
Coding change: c.530_531dup on transcript NM_005859.5 (MANE Select); coding-DNA positions 530 to 531, 2 bases duplicated (GG; older notation c.530_531dupGG).
Protein change: p.Pro178fs; shifts the reading frame from proline 178.
Molecular consequence: frameshift variant.
Genome position (GRCh38, 1-based): chr5:140,114,711-140,114,712, GG duplicated; duplicating any 2 consecutive bases within chr5:140,114,708-140,114,712 gives the same sequence; the c. name uses the placement nearest the transcript's 3' end. VCF-style (leftmost placement, unchanged base first): chr5-140114707-C-CGG. GRCh37 (hg19) VCF-style: chr5-139494292-C-CGG.
Other names: short protein forms P178fs.
Identifiers: ClinVar variation 1334710 (VCV001334710.4), dbSNP rs2126749210, ClinGen allele CA2573052438.